The following is an entry in ClinVar:

ClinVar aggregate classification (germline): Uncertain significance (1 of 4 stars; one submission).

Conditions:
Cardiovascular phenotype. Identifiers: MedGen CN230736.

gnomAD v4.1: 7 of 1,551,952 alleles (0.00045%); highest among the groups gnomAD compares: Admixed American, 0.012%; no homozygotes.

Submission:

Ambry Genetics
Classification: Uncertain significance for Cardiovascular phenotype. Last evaluated: 2024-06-09. Review status: criteria provided, single submitter. Criteria: Ambry Variant Classification Scheme 2023. Collection method: clinical testing. Allele origin: germline.
Comment: The p.D234E variant (also known as c.702C>A), located in coding exon 5 of the LMF1 gene, results from a C to A substitution at nucleotide position 702. The aspartic acid at codon 234 is replaced by glutamic acid, an amino acid with highly similar properties. This amino acid position is conserved. In addition, this alteration is predicted to be tolerated by in silico analysis. Based on the available evidence, the clinical significance of this variant remains unclear.

NM_022773.4(LMF1):c.702C>A (p.Asp234Glu)

Gene: LMF1 (lipase maturation factor 1; minus strand). Cytogenetic location: 16p13.3.
Variant type: single nucleotide variant.
Coding change: c.702C>A on transcript NM_022773.4 (MANE Select); coding-DNA position 702, C replaced by A.
Protein change: p.Asp234Glu; replaces aspartic acid 234 with glutamic acid.
Molecular consequence: missense variant. On other transcripts: non-coding transcript variant (1).
Genome position (GRCh38, 1-based): chr16:893,034, G>T on the plus strand (C>A on the coding strand, the complement: LMF1 is on the minus strand). VCF-style: chr16-893034-G-T. GRCh37 (hg19) VCF-style: chr16-943034-G-T.
Other names: c.51C>A, p.Asp17Glu (NM_001352017.2, NM_001352021.2); c.303C>A, p.Asp101Glu (NM_001352018.2); c.375C>A, p.Asp125Glu (NM_001352019.2); c.702C>A, p.Asp234Glu (NM_001352020.1); short protein forms D125E, D101E, D17E, D234E.
Identifiers: ClinVar variation 3290932 (VCV003290932.1).